The following is an entry in ClinVar:

ClinVar aggregate classification (germline): Pathogenic (1 of 4 stars; one submission).

Submission:

Labcorp Genetics (formerly Invitae), Labcorp
Classification: Pathogenic. Last evaluated: 2023-08-22. Review status: criteria provided, single submitter. Criteria: Invitae Variant Classification Sherloc (09022015). Collection method: clinical testing. Allele origin: unknown.
Comment: For these reasons, this variant has been classified as Pathogenic. This variant has not been reported in the literature in individuals affected with COQ8A-related conditions. This variant is a gross deletion of the genomic region encompassing exon(s) 2 of the COQ8A gene, which includes the initiator codon. This deletion extends beyond the assayed region for this gene and therefore may encompass additional genes. It is expected to result in an absent or disrupted protein product. Loss-of-function variants in COQ8A are known to be pathogenic (PMID: 18319074, 20580948).

Literature cited by the submitters: PubMed 18319074; PubMed 20580948.

NC_000001.10:g.(?_227149087)_(227149283_?)del

Gene: COQ8A (coenzyme Q8A; plus strand). Cytogenetic location: 1q42.13.
Variant type: Deletion.
Identifiers: ClinVar variation 3248016 (VCV003248016.1).